The following is an entry in ClinVar:

NM_004415.4(DSP):c.7619A>T (p.Asp2540Val)

Gene: DSP (desmoplakin; plus strand). Cytogenetic location: 6p24.3.
Variant type: single nucleotide variant.
Coding change: c.7619A>T on transcript NM_004415.4 (MANE Select); coding-DNA position 7619, A replaced by T.
Protein change: p.Asp2540Val; replaces aspartic acid 2540 with valine.
Molecular consequence: missense variant.
Genome position (GRCh38, 1-based): chr6:7,584,881, A>T. VCF-style: chr6-7584881-A-T. GRCh37 (hg19) VCF-style: chr6-7585114-A-T.
Other names: c.5822A>T, p.Asp1941Val (NM_001008844.3); c.6290A>T, p.Asp2097Val (NM_001319034.2); short protein forms D1941V, D2540V, D2097V.
Identifiers: ClinVar variation 2953966 (VCV002953966.3), dbSNP rs2533947041, ClinGen allele CA362693408.

ClinVar aggregate classification (germline): Uncertain significance (1 of 4 stars; one submission).

Conditions:
Arrhythmogenic cardiomyopathy with wooly hair and keratoderma. Also called: PALMOPLANTAR KERATODERMA WITH LEFT VENTRICULAR CARDIOMYOPATHY AND WOOLLY HAIR; Carvajal syndrome; Arrhythmogenic cardiomyopathy with woolly hair and keratoderma; Dilated cardiomyopathy with woolly hair and keratoderma. Identifiers: Orphanet 65282, MedGen C1854063, MONDO:0011581, OMIM 605676.
Arrhythmogenic right ventricular dysplasia 8 (ARVD8). Also called: Arrhythmogenic Right Ventricular Dysplasia/Cardiomyopathy 8; ARRHYTHMOGENIC RIGHT VENTRICULAR DYSPLASIA, FAMILIAL, 8; ARRHYTHMOGENIC RIGHT VENTRICULAR CARDIOMYOPATHY 8. Identifiers: MedGen C1843896, MONDO:0011831, OMIM 607450.

Submission:

Labcorp Genetics (formerly Invitae), Labcorp
Classification: Uncertain significance for Arrhythmogenic cardiomyopathy with wooly hair and keratoderma; Arrhythmogenic right ventricular dysplasia 8. Last evaluated: 2023-11-17. Review status: criteria provided, single submitter. Criteria: Invitae Variant Classification Sherloc (09022015). Collection method: clinical testing. Allele origin: germline.
Comment: This sequence change replaces aspartic acid, which is acidic and polar, with valine, which is neutral and non-polar, at codon 2540 of the DSP protein (p.Asp2540Val). This variant is not present in population databases (gnomAD no frequency). This variant has not been reported in the literature in individuals affected with DSP-related conditions. An algorithm developed to predict the effect of missense changes on protein structure and function (PolyPhen-2) suggests that this variant is likely to be disruptive. In summary, the available evidence is currently insufficient to determine the role of this variant in disease. Therefore, it has been classified as a Variant of Uncertain Significance.